The following is an entry in ClinVar:

NM_001365536.1(SCN9A):c.3131C>G (p.Ala1044Gly)

Genes: SCN1A-AS1 (SCN1A and SCN9A antisense RNA 1; plus strand), SCN9A (sodium voltage-gated channel alpha subunit 9; minus strand). Cytogenetic location: 2q24.3.
Variant type: single nucleotide variant.
Coding change: c.3131C>G on transcript NM_001365536.1 (MANE Select); coding-DNA position 3131, C replaced by G.
Protein change: p.Ala1044Gly; replaces alanine 1044 with glycine.
Molecular consequence: missense variant.
Genome position (GRCh38, 1-based): chr2:166,272,619, G>C on the plus strand (C>G on the coding strand, the complement: SCN9A is on the minus strand). VCF-style: chr2-166272619-G-C. GRCh37 (hg19) VCF-style: chr2-167129129-G-C.
Other names: c.3098C>G, p.Ala1033Gly (NM_002977.4); short protein forms A1033G, A1044G.
Identifiers: ClinVar variation 569835 (VCV000569835.9), dbSNP rs1558998755, ClinGen allele CA349073721.
Genomic context (GRCh38, chr2:166,272,619, plus strand): 5'-CTTCCAAAACCACTGATTTTATCTTTTTCCTTGAGGAAATTGTGACCTTTGCTCATTTCA[G>C]CAAGTGTATGGTTAGAAATATAGTTTTCCTTCTTAGTATTCAGATCTTCTGCTTGTCTTA-3'
Protein context (NP_001352465.1, residues 1034-1054): KENYISNHTL[Ala1044Gly]EMSKGHNFLK

ClinVar aggregate classification (germline): Uncertain significance (1 of 4 stars; one submission).

Conditions:
Neuropathy, hereditary sensory and autonomic, type 2A (HSAN2A). Also called: HSAN IIA; ACROOSTEOLYSIS, GIACCAI TYPE; ACROOSTEOLYSIS, NEUROGENIC; MORVAN DISEASE; NEUROPATHY, CONGENITAL SENSORY; NEUROPATHY, HEREDITARY SENSORY RADICULAR, AUTOSOMAL RECESSIVE. Identifiers: Orphanet 970, MedGen C2752089, MONDO:0024309, OMIM 201300.
Generalized epilepsy with febrile seizures plus, type 7 (GEFSP7). Also called: GEFS+, TYPE 7. Identifiers: Orphanet 36387, MedGen C2751778, MONDO:0013470, OMIM 613863.

Submission:

Labcorp Genetics (formerly Invitae), Labcorp
Classification: Uncertain significance for Neuropathy, hereditary sensory and autonomic, type 2A; Generalized epilepsy with febrile seizures plus, type 7. Last evaluated: 2020-02-17. Review status: criteria provided, single submitter. Criteria: Invitae Variant Classification Sherloc (09022015). Collection method: clinical testing. Allele origin: germline.
Comment: In summary, the available evidence is currently insufficient to determine the role of this variant in disease. Therefore, it has been classified as a Variant of Uncertain Significance. Algorithms developed to predict the effect of missense changes on protein structure and function do not agree on the potential impact of this missense change (SIFT: "Tolerated"; PolyPhen-2: "Possibly Damaging"; Align-GVGD: "Class C0"). This variant has not been reported in the literature in individuals with SCN9A-related disease. This variant is not present in population databases (ExAC no frequency). This sequence change replaces alanine with glycine at codon 1033 of the SCN9A protein (p.Ala1033Gly). The alanine residue is highly conserved and there is a small physicochemical difference between alanine and glycine.